The following is an entry in ClinVar:

NM_016239.4(MYO15A):c.8083A>G (p.Lys2695Glu)

Gene: MYO15A (myosin XVA; plus strand). Cytogenetic location: 17p11.2.
Variant type: single nucleotide variant.
Coding change: c.8083A>G on transcript NM_016239.4 (MANE Select); coding-DNA position 8083, A replaced by G.
Protein change: p.Lys2695Glu; replaces lysine 2695 with glutamic acid.
Molecular consequence: missense variant.
Genome position (GRCh38, 1-based): chr17:18,153,891, A>G. VCF-style: chr17-18153891-A-G. GRCh37 (hg19) VCF-style: chr17-18057205-A-G.
Other names: short protein forms K2695E.
Identifiers: ClinVar variation 1963416 (VCV001963416.5), dbSNP rs2545293368, ClinGen allele CA398624885.
Genomic context (GRCh38, chr17:18,153,891, plus strand): 5'-CGCCTCATCAATCCCAACTTCTACGGCTATCAGGACGCCCCCTGGAAGATCTTCCTGCGC[A>G]AAGAGGTGCCGAGCACAGCCGTAGCCAGGGGAGGGGCTGAAGCGGGGCAGGGGAGGGGCT-3'
Protein context (NP_057323.3, residues 2685-2705): QDAPWKIFLR[Lys2695Glu]EVFYPKDSYS

ClinVar aggregate classification (germline): Uncertain significance (1 of 4 stars; one submission).

gnomAD v4.1: 1 of 1,613,488 alleles (0.000062%); highest among the groups gnomAD compares: East Asian, 0.0022%; no homozygotes.

Submission:

Labcorp Genetics (formerly Invitae), Labcorp
Classification: Uncertain significance. Last evaluated: 2022-02-11. Review status: criteria provided, single submitter. Criteria: Invitae Variant Classification Sherloc (09022015). Collection method: clinical testing. Allele origin: germline.
Comment: This variant is not present in population databases (gnomAD no frequency). This sequence change replaces lysine, which is basic and polar, with glutamic acid, which is acidic and polar, at codon 2695 of the MYO15A protein (p.Lys2695Glu). This variant has not been reported in the literature in individuals affected with MYO15A-related conditions. In summary, the available evidence is currently insufficient to determine the role of this variant in disease. Therefore, it has been classified as a Variant of Uncertain Significance. Algorithms developed to predict the effect of missense changes on protein structure and function are either unavailable or do not agree on the potential impact of this missense change (SIFT: "Deleterious"; PolyPhen-2: "Not Available"; Align-GVGD: "Class C55").